The following is an entry in ClinVar:

NM_000090.4(COL3A1):c.3201+4A>G

Gene: COL3A1 (collagen type III alpha 1 chain; plus strand). Cytogenetic location: 2q32.2.
Variant type: single nucleotide variant.
Coding change: c.3201+4A>G on transcript NM_000090.4 (MANE Select); 4 bases into the intron after coding-DNA position 3201, A replaced by G.
Molecular consequence: intron variant.
Genome position (GRCh38, 1-based): chr2:189,006,456, A>G. VCF-style: chr2-189006456-A-G. GRCh37 (hg19) VCF-style: chr2-189871182-A-G.
Identifiers: ClinVar variation 4757846 (VCV004757846.1).
Genomic context (GRCh38, chr2:189,006,456, plus strand): 5'-CCAGGCCCACCTGGTCCTGTCGGTCCAGCTGGAAAGAGTGGTGACAGAGGAGAAAGTGTG[A>G]GTTCCCAAAAGCAGCATCTGTCTTGTTTGTCTATTTCCTTCAATAAAGACATTTGTAGGT-3'

ClinVar aggregate classification (germline): Uncertain significance (1 of 4 stars; one submission).

Conditions:
Familial thoracic aortic aneurysm and aortic dissection (TAAD). Also called: Thoracic aortic aneurysms and dissections. Identifiers: Orphanet 91387, MedGen C4707243, MONDO:0019625.

Submission:

Color Diagnostics, LLC DBA Color Health
Classification: Uncertain significance for Familial thoracic aortic aneurysm and aortic dissection. Last evaluated: 2025-09-04. Review status: criteria provided, single submitter. Criteria: ACMG Guidelines, 2015. Collection method: clinical testing. Allele origin: germline.
Comment: This variant causes an A to G nucleotide substitution at the +4 position of intron 43 of the COL3A1 gene. To our knowledge, functional studies have not been reported for this variant. This variant has not been reported in individuals affected with COL3A1-related disorders in the literature. This variant has not been identified in the general population by the Genome Aggregation Database (gnomAD). The available evidence is insufficient to determine the role of this variant in disease conclusively. Therefore, this variant is classified as a Variant of Uncertain Significance.